The following is an entry in ClinVar:

NM_021927.3(GUF1):c.1843G>A (p.Ala615Thr)

Gene: GUF1 (GTP binding elongation factor GUF1; plus strand). Cytogenetic location: 4p12.
Variant type: single nucleotide variant.
Coding change: c.1843G>A on transcript NM_021927.3 (MANE Select); coding-DNA position 1843, G replaced by A.
Protein change: p.Ala615Thr; replaces alanine 615 with threonine.
Molecular consequence: missense variant.
Genome position (GRCh38, 1-based): chr4:44,697,415, G>A. VCF-style: chr4-44697415-G-A. GRCh37 (hg19) VCF-style: chr4-44699432-G-A.
Other names: c.871G>A, p.Ala291Thr (NM_001345867.2, NM_001345869.2); c.1723G>A, p.Ala575Thr (NM_001345868.2); short protein forms A291T, A575T, A615T.
Identifiers: ClinVar variation 3627219 (VCV003627219.2).

ClinVar aggregate classification (germline): Uncertain significance (1 of 4 stars; one submission).

gnomAD v4.1: 10 of 1,562,844 alleles (0.00064%); highest among the groups gnomAD compares: African/African-American, 0.0068%; no homozygotes.

Submission:

Labcorp Genetics (formerly Invitae), Labcorp
Classification: Uncertain significance. Last evaluated: 2025-09-14. Review status: criteria provided, single submitter. Criteria: Invitae Variant Classification Sherloc (09022015). Collection method: clinical testing. Allele origin: germline.
Comment: This sequence change replaces alanine, which is neutral and non-polar, with threonine, which is neutral and polar, at codon 615 of the GUF1 protein (p.Ala615Thr). This variant is present in population databases (no rsID available, gnomAD 0.004%). This variant has not been reported in the literature in individuals affected with GUF1-related conditions. ClinVar contains an entry for this variant (Variation ID: 3627219). An algorithm developed to predict the effect of missense changes on protein structure and function (PolyPhen-2) suggests that this variant is likely to be disruptive. In summary, the available evidence is currently insufficient to determine the role of this variant in disease. Therefore, it has been classified as a Variant of Uncertain Significance.